The following is an entry in ClinVar:

NM_000051.4(ATM):c.7760_7761dup (p.Pro2588fs)

Genes: ATM (ATM serine/threonine kinase; plus strand), C11orf65 (chromosome 11 open reading frame 65; minus strand). Cytogenetic location: 11q22.3.
Variant type: Microsatellite.
Coding change: c.7760_7761dup on transcript NM_000051.4 (MANE Select); coding-DNA positions 7760 to 7761, 2 bases duplicated (TG; older notation c.7760_7761dupTG).
Protein change: p.Pro2588fs; shifts the reading frame from proline 2588.
Molecular consequence: frameshift variant. On other transcripts: intron variant (2).
Genome position (GRCh38, 1-based): chr11:108,332,009-108,332,010, TG duplicated; duplicating any 2 consecutive bases within chr11:108,332,007-108,332,010 gives the same sequence; the c. name uses the placement nearest the transcript's 3' end. VCF-style (leftmost placement, unchanged base first): chr11-108332006-A-ATG. GRCh37 (hg19) VCF-style: chr11-108202733-A-ATG.
Other names: c.7760_7761dup, p.Pro2588fs (NM_001351834.2); c.641-22939CA[3] (NM_001330368.2); c.*38+3210CA[3] (NM_001351110.2); short protein forms P2588fs.
Identifiers: ClinVar variation 4719146 (VCV004719146.1).
Genomic context (GRCh38, chr11:108,332,006, plus strand): 5'-CAAACAGAGATGAATTTCTGACTAAACCAGAGGTAGCCAGAAGAAGCAGAATAACTAAAA[A>ATG]TGTGCCTAAACAAAGCTCTCAGCTTGATGAGGTATTTGGATTAAACATACGTACCTTTTA-3'

ClinVar aggregate classification (germline): Pathogenic (1 of 4 stars; one submission).

Conditions:
Ataxia-telangiectasia syndrome (AT). Also called: Ataxia-telangiectasia, complementation group D; AT, COMPLEMENTATION GROUP C; ATAXIA-TELANGIECTASIA, COMPLEMENTATION GROUP A; ATAXIA-TELANGIECTASIA, FRESNO VARIANT; Ataxia-telangiectasia; Ataxia-telangiectasia, complementation group E. Identifiers: Orphanet 100, MedGen C0004135, MONDO:0008840, OMIM 208900.

Submission:

Labcorp Genetics (formerly Invitae), Labcorp
Classification: Pathogenic for Ataxia-telangiectasia syndrome. Last evaluated: 2025-05-07. Review status: criteria provided, single submitter. Criteria: Invitae Variant Classification Sherloc (09022015). Collection method: clinical testing. Allele origin: germline.
Comment: This sequence change creates a premature translational stop signal (p.Pro2588Cysfs*19) in the ATM gene. It is expected to result in an absent or disrupted protein product. Loss-of-function variants in ATM are known to be pathogenic (PMID: 23807571, 25614872). This variant is not present in population databases (gnomAD no frequency). This variant has not been reported in the literature in individuals affected with ATM-related conditions. Algorithms developed to predict the effect of sequence changes on RNA splicing suggest that this variant may disrupt the consensus splice site. For these reasons, this variant has been classified as Pathogenic.

Literature cited by the submitters: PubMed 23807571; PubMed 25614872.